The following is an entry in ClinVar:

NM_007078.3(LDB3):c.59del (p.Gly20fs)

Gene: LDB3 (LIM domain binding 3; plus strand). Cytogenetic location: 10q23.2.
Variant type: Deletion.
Coding change: c.59del on transcript NM_007078.3 (MANE Select); coding-DNA position 59, one base deleted (G; older notation c.59delG).
Protein change: p.Gly20fs; shifts the reading frame from glycine 20.
Molecular consequence: frameshift variant.
Genome position (GRCh38, 1-based): chr10:86,668,750, G deleted; the last of 6 consecutive G bases (chr10:86,668,745-86,668,750); deleting any one gives the same sequence. VCF-style (leftmost placement, unchanged base first): chr10-86668744-AG-A. GRCh37 (hg19) VCF-style: chr10-88428501-AG-A.
Other names: c.59del, p.Gly20fs (NM_001080114.2, NM_001080115.2, NM_001080116.1 and 8 more transcripts); short protein forms G20fs.
Identifiers: ClinVar variation 1175152 (VCV001175152.13), dbSNP rs1308589918, ClinGen allele CA669465339.

ClinVar aggregate classification (germline): Pathogenic. Review status: criteria provided, single submitter (1 of 4 stars). 7 submissions from 7 submitters: Pathogenic (1). 5 of the submissions do not count toward it. Last evaluated 2025-08-31.

Conditions:
Cardiomyopathy, dilated, 2l. Identifiers: MedGen C6012739, MONDO:0979236, OMIM 621237.
Myofibrillar myopathy 4. Also called: Zaspopathy (type). Identifiers: Orphanet 98912, MedGen C4721886, MONDO:0012277, OMIM 609452.

Submissions (6):

Labcorp Genetics (formerly Invitae), Labcorp
Classification: Pathogenic for Myofibrillar myopathy 4. Last evaluated: 2025-08-31. Review status: criteria provided, single submitter. Criteria: Invitae Variant Classification Sherloc (09022015). Collection method: clinical testing. Allele origin: germline.
Comment: This sequence change creates a premature translational stop signal (p.Gly20Alafs*41) in the LDB3 gene. It is expected to result in an absent or disrupted protein product. Loss-of-function variants in LDB3 are known to be pathogenic (PMID: 36253531). This variant is not present in population databases (gnomAD no frequency). This premature translational stop signal has been observed in individual(s) with LDB3-related conditions (PMID: 36253531). ClinVar contains an entry for this variant (Variation ID: 1175152). For these reasons, this variant has been classified as Pathogenic.

Clinical Genetics DNA and cytogenetics Diagnostics Lab, Erasmus MC, Erasmus Medical Center
Classification: Uncertain significance. Review status: no assertion criteria provided. Collection method: clinical testing. Allele origin: germline. Affected: yes. Study: VKGL Data-share Consensus. Not counted in ClinVar's aggregate classification.

Clinical Genetics, Academic Medical Center
Classification: Uncertain significance. Review status: no assertion criteria provided. Collection method: clinical testing. Allele origin: germline. Affected: yes. Study: VKGL Data-share Consensus. Not counted in ClinVar's aggregate classification.

Diagnostic Laboratory, Department of Genetics, University Medical Center Groningen
Classification: Uncertain significance. Review status: no assertion criteria provided. Collection method: clinical testing. Allele origin: germline. Affected: yes. Study: VKGL Data-share Consensus. Not counted in ClinVar's aggregate classification.

Joint Genome Diagnostic Labs from Nijmegen and Maastricht, Radboudumc and MUMC+
Classification: Uncertain significance. Review status: no assertion criteria provided. Collection method: clinical testing. Allele origin: germline. Affected: yes. Study: VKGL Data-share Consensus. Not counted in ClinVar's aggregate classification.

Laboratory of Diagnostic Genome Analysis, Leiden University Medical Center (LUMC)
Classification: Uncertain significance. Review status: no assertion criteria provided. Collection method: clinical testing. Allele origin: germline. Affected: yes. Study: VKGL Data-share Consensus. Not counted in ClinVar's aggregate classification.

Literature cited by the submitters: PubMed 36253531 (cited by Labcorp Genetics (formerly Invitae), Labcorp).